The following is an entry in ClinVar:

ClinVar aggregate classification (germline): Likely benign. Review status: criteria provided, single submitter (1 of 4 stars). 2 submissions from 2 submitters: Likely benign (1). 1 of the submissions does not count toward it. Last evaluated 2023-08-01.

Conditions:
GATB-related disorder. Also called: GATB-related condition.

Submissions (2):

CeGaT Center for Human Genetics Tuebingen
Classification: Likely benign. Last evaluated: 2023-08-01. Review status: criteria provided, single submitter. Criteria: CeGaT Center For Human Genetics Tuebingen Variant Classification Criteria Version 2. Collection method: clinical testing. Allele origin: germline. Affected: yes. Observed: 1 variant allele.
Comment: GATB: BP4

PreventionGenetics, part of Exact Sciences
Classification: Benign for GATB-related condition. Last evaluated: 2019-12-09. Review status: no assertion criteria provided. Collection method: clinical testing. Allele origin: germline. Not counted in ClinVar's aggregate classification.
Comment: This variant is classified as benign based on ACMG/AMP sequence variant interpretation guidelines (Richards et al. 2015 PMID: 25741868, with internal and published modifications).

NM_004564.3(GATB):c.1198-6dup

Gene: GATB (glutamyl-tRNA amidotransferase subunit B; minus strand). Cytogenetic location: 4q31.3.
Variant type: Duplication.
Coding change: c.1198-6dup on transcript NM_004564.3 (MANE Select); 6 bases into the intron before coding-DNA position 1198, one base duplicated (T; older notation c.1198-6dupT).
Molecular consequence: intron variant.
Genome position (GRCh38, 1-based): chr4:151,688,769, A duplicated on the plus strand (T on the coding strand, the reverse complement: GATB is on the minus strand); the first of 13 consecutive A bases (chr4:151,688,769-151,688,781); duplicating any one gives the same sequence. VCF-style (leftmost placement, unchanged base first): chr4-151688768-T-TA. GRCh37 (hg19) VCF-style: chr4-152609920-T-TA.
Other names: c.1198-6dup (NM_001363341.2); c.1198-6dupT (NM_004564.2).
Identifiers: ClinVar variation 2578970 (VCV002578970.26), dbSNP rs11292952, ClinGen allele CA3105654.